The following is an entry in ClinVar:

ClinVar aggregate classification (germline): Uncertain significance (1 of 4 stars; one submission).

gnomAD v4.1: 4 of 1,610,798 alleles (0.00025%); highest among the groups gnomAD compares: Admixed American, 0.0067%; no homozygotes.

Submission:

Labcorp Genetics (formerly Invitae), Labcorp
Classification: Uncertain significance. Last evaluated: 2025-11-09. Review status: criteria provided, single submitter. Criteria: Invitae Variant Classification Sherloc (09022015). Collection method: clinical testing. Allele origin: germline.
Comment: This sequence change replaces aspartic acid, which is acidic and polar, with glycine, which is neutral and non-polar, at codon 284 of the POLE2 protein (p.Asp284Gly). This variant is present in population databases (rs779344619, gnomAD 0.009%). This variant has not been reported in the literature in individuals affected with POLE2-related conditions. An algorithm developed to predict the effect of missense changes on protein structure and function (PolyPhen-2) suggests that this variant is likely to be tolerated. In summary, the available evidence is currently insufficient to determine the role of this variant in disease. Therefore, it has been classified as a Variant of Uncertain Significance.

NM_002692.4(POLE2):c.851A>G (p.Asp284Gly)

Gene: POLE2 (DNA polymerase epsilon 2, accessory subunit; minus strand). Cytogenetic location: 14q21.3.
Variant type: single nucleotide variant.
Coding change: c.851A>G on transcript NM_002692.4 (MANE Select); coding-DNA position 851, A replaced by G.
Protein change: p.Asp284Gly; replaces aspartic acid 284 with glycine.
Molecular consequence: missense variant.
Genome position (GRCh38, 1-based): chr14:49,655,748, T>C on the plus strand (A>G on the coding strand, the complement: POLE2 is on the minus strand). VCF-style: chr14-49655748-T-C. GRCh37 (hg19) VCF-style: chr14-50122466-T-C.
Other names: c.773A>G, p.Asp258Gly (NM_001197330.2); c.851A>G, p.Asp284Gly (NM_001197331.3, NM_001348384.2); c.620A>G, p.Asp207Gly (NM_001348385.2); short protein forms D207G, D258G, D284G.
Identifiers: ClinVar variation 4698870 (VCV004698870.1).